The following is an entry in ClinVar:

NM_021784.5(FOXA2):c.124G>C (p.Gly42Arg)

Gene: FOXA2 (forkhead box A2; minus strand). Cytogenetic location: 20p11.21.
Variant type: single nucleotide variant.
Coding change: c.124G>C on transcript NM_021784.5 (MANE Select); coding-DNA position 124, G replaced by C.
Protein change: p.Gly42Arg; replaces glycine 42 with arginine.
Molecular consequence: missense variant.
Genome position (GRCh38, 1-based): chr20:22,583,118, C>G on the plus strand (G>C on the coding strand, the complement: FOXA2 is on the minus strand). VCF-style: chr20-22583118-C-G. GRCh37 (hg19) VCF-style: chr20-22563756-C-G.
Other names: c.106G>C, p.Gly36Arg (NM_153675.3); short protein forms G36R, G42R.
Identifiers: ClinVar variation 1810106 (VCV001810106.1), dbSNP rs1175567749, ClinGen allele CA408503171.

ClinVar aggregate classification (germline): Uncertain significance (1 of 4 stars; one submission).

Allele frequency attached by ClinVar (database versions not stated): gnomAD exomes below 0.00001.

Submission:

GeneDx
Classification: Uncertain significance. Last evaluated: 2022-07-01. Review status: criteria provided, single submitter. Criteria: GeneDx Variant Classification Process June 2021. Collection method: clinical testing. Allele origin: germline. Affected: yes.
Comment: Not observed at significant frequency in large population cohorts (gnomAD); In silico analysis supports that this missense variant has a deleterious effect on protein structure/function; Has not been previously published as pathogenic or benign to our knowledge